The following is an entry in ClinVar:

NM_001384140.1(PCDH15):c.1806T>G (p.Tyr602Ter)

Gene: PCDH15 (protocadherin related 15; minus strand). Cytogenetic location: 10q21.1.
Variant type: single nucleotide variant.
Coding change: c.1806T>G on transcript NM_001384140.1 (MANE Select); coding-DNA position 1806, T replaced by G.
Protein change: p.Tyr602Ter; replaces tyrosine 602 with a stop codon.
Molecular consequence: nonsense. On other transcripts: intron variant (1).
Genome position (GRCh38, 1-based): chr10:54,132,986, A>C on the plus strand (T>G on the coding strand, the complement: PCDH15 is on the minus strand). VCF-style: chr10-54132986-A-C. GRCh37 (hg19) VCF-style: chr10-55892746-A-C.
Other names: c.1821T>G, p.Tyr607Ter (NM_001142763.2, NM_001142771.2); c.1806T>G, p.Tyr602Ter (NM_001142764.2, NM_001142766.2, NM_001142770.3 and 5 more transcripts); c.1695T>G, p.Tyr565Ter (NM_001142767.2); c.1740T>G, p.Tyr580Ter (NM_001142768.2, NM_001142773.2, NM_001354404.2); c.1842T>G, p.Tyr614Ter (NM_001142769.4); c.1827T>G, p.Tyr609Ter (NM_001354411.2); c.1784+20114T>G (NM_001142765.2); short protein forms Y602*, Y565*, Y607*, Y609*, Y580*, Y614*.
Identifiers: ClinVar variation 371655 (VCV000371655.7), dbSNP rs1057517443, ClinGen allele CA16041371.

ClinVar aggregate classification (germline): Pathogenic/Likely pathogenic. Review status: criteria provided, multiple submitters, no conflicts (2 of 4 stars). 3 submissions from 3 submitters: Pathogenic (1); Likely pathogenic (1). 1 of the submissions does not count toward it. Last evaluated 2024-05-28.

Conditions:
Autosomal recessive nonsyndromic hearing loss 23. Identifiers: Orphanet 90636, MedGen C1836027, MONDO:0012293, OMIM 609533.
Usher syndrome type 1D (USH1D). Also called: USHER SYNDROME, TYPE ID. Identifiers: Orphanet 231169, Orphanet 886, MedGen C1832845, MONDO:0010984, OMIM 601067.
Usher syndrome type 1F (USH1F). Also called: USHER SYNDROME, TYPE IF. Identifiers: Orphanet 231169, Orphanet 886, MedGen C1865885, MONDO:0011186, OMIM 602083.

Allele frequency attached by ClinVar (database versions not stated): gnomAD exomes 0.00001.
gnomAD v4.1: 12 of 1,614,074 alleles (0.00074%); highest among the groups gnomAD compares: Non-Finnish European, 0.001%; no homozygotes.

Submissions (3):

Fulgent Genetics
Classification: Likely pathogenic for Usher syndrome type 1D; Usher syndrome type 1F; Autosomal recessive nonsyndromic hearing loss 23. Last evaluated: 2024-05-28. Review status: criteria provided, single submitter. Criteria: ACMG Guidelines, 2015. Collection method: clinical testing. Allele origin: germline.

Labcorp Genetics (formerly Invitae), Labcorp
Classification: Pathogenic. Last evaluated: 2023-06-28. Review status: criteria provided, single submitter. Criteria: Invitae Variant Classification Sherloc (09022015). Collection method: clinical testing. Allele origin: germline.
Comment: For these reasons, this variant has been classified as Pathogenic. ClinVar contains an entry for this variant (Variation ID: 371655). This variant has not been reported in the literature in individuals affected with PCDH15-related conditions. This variant is not present in population databases (gnomAD no frequency). This sequence change creates a premature translational stop signal (p.Tyr602*) in the PCDH15 gene. It is expected to result in an absent or disrupted protein product. Loss-of-function variants in PCDH15 are known to be pathogenic (PMID: 11398101, 11487575, 14570705).

Counsyl
Classification: Likely pathogenic for Usher syndrome type 1F. Last evaluated: 2016-11-14. Review status: no assertion criteria provided. Collection method: clinical testing. Allele origin: unknown. Not counted in ClinVar's aggregate classification.

Literature cited by the submitters: PubMed 11398101 (cited by Labcorp Genetics (formerly Invitae), Labcorp); PubMed 11487575 (cited by Labcorp Genetics (formerly Invitae), Labcorp); PubMed 14570705 (cited by Labcorp Genetics (formerly Invitae), Labcorp).